The following is an entry in ClinVar:

ClinVar aggregate classification (germline): Conflicting classifications of pathogenicity. Review status: criteria provided, conflicting classifications (1 of 4 stars). 4 submissions from 4 submitters: Uncertain significance (1); Likely benign (1). 2 of the submissions do not count toward it. Last evaluated 2026-01-25.

Conditions:
Hyperornithinemia-hyperammonemia-homocitrullinuria syndrome (HHHS). Also called: HHH SYNDROME; Ornithine translocase deficiency. Identifiers: Orphanet 415, MedGen C0268540, MONDO:0009393, OMIM 238970.

Allele frequency attached by ClinVar (database versions not stated): gnomAD exomes 0.00005 and 0.00022; gnomAD 0.00009 and 0.00017; TOPMed 0.00015; ExAC 0.00017; 1000 Genomes Project 30x 0.00187; 1000 Genomes Project 0.00200.
gnomAD v4.1: 117 of 1,614,222 alleles (0.0072%); highest among the groups gnomAD compares: East Asian, 0.16%; 2 homozygotes.

Submissions (4):

Labcorp Genetics (formerly Invitae), Labcorp
Classification: Likely benign for Hyperornithinemia-hyperammonemia-homocitrullinuria syndrome. Last evaluated: 2026-01-25. Review status: criteria provided, single submitter. Criteria: Invitae Variant Classification Sherloc (09022015). Collection method: clinical testing. Allele origin: germline.

Illumina Laboratory Services, Illumina
Classification: Uncertain significance for Hyperornithinemia-hyperammonemia-homocitrullinuria syndrome. Last evaluated: 2018-01-12. Review status: criteria provided, single submitter. Criteria: ICSL Variant Classification Criteria 13 December 2019. Collection method: clinical testing. Allele origin: germline.

Natera, Inc.
Classification: Uncertain significance for Hyperornithinemia-hyperammonemia-homocitrullinuria syndrome. Last evaluated: 2020-04-16. Review status: no assertion criteria provided. Collection method: clinical testing. Allele origin: germline. Not counted in ClinVar's aggregate classification.

Department of Pathology and Laboratory Medicine, Sinai Health System
Classification: Uncertain significance. Review status: no assertion criteria provided. Collection method: clinical testing. Allele origin: unknown. Affected: yes. Study: The Canadian Open Genetics Repository (COGR). Not counted in ClinVar's aggregate classification.
Comment: The SLC25A15 p.Asp49Glu variant was not identified in the literature nor was it identified in ClinVar, Cosmic, or LOVD 3.0. The variant was identified in dbSNP (ID: rs187685447) and in control databases in 62 of 282886 chromosomes (2 homozygous) at a frequency of 0.000219 (Genome Aggregation Database Feb 27, 2017). The variant was observed in the following populations: East Asian in 53 of 19952 chromosomes (freq: 0.002656), Other in 2 of 7228 chromosomes (freq: 0.000277), South Asian in 6 of 30616 chromosomes (freq: 0.000196) and Latino in 1 of 35438 chromosomes (freq: 0.000028), but was not observed in the African, Ashkenazi Jewish, European (Finnish) or European (non-Finnish) populations. The p.Asp49 residue is not conserved in mammals and four out of five computational analyses (PolyPhen-2, SIFT, AlignGVGD, BLOSUM, MutationTaster) do not suggest a high likelihood of impact to the protein; however, this information is not predictive enough to rule out pathogenicity. The variant occurs outside of the splicing consensus sequence and in silico or computational prediction software programs (SpliceSiteFinder, MaxEntScan, NNSPLICE, GeneSplicer) do not predict a difference in splicing. In summary, based on the above information the clinical significance of this variant cannot be determined with certainty at this time. This variant is classified as a variant of uncertain significance.

NM_014252.4(SLC25A15):c.147C>G (p.Asp49Glu)

Gene: SLC25A15 (solute carrier family 25 member 15; plus strand). Cytogenetic location: 13q14.11.
Variant type: single nucleotide variant.
Coding change: c.147C>G on transcript NM_014252.4 (MANE Select); coding-DNA position 147, C replaced by G.
Protein change: p.Asp49Glu; replaces aspartic acid 49 with glutamic acid.
Molecular consequence: missense variant. On other transcripts: non-coding transcript variant (2).
Genome position (GRCh38, 1-based): chr13:40,799,148, C>G. VCF-style: chr13-40799148-C-G. GRCh37 (hg19) VCF-style: chr13-41373284-C-G.
Other names: short protein forms D49E.
Identifiers: ClinVar variation 706683 (VCV000706683.17), dbSNP rs187685447, ClinGen allele CA6959634.